The following is an entry in ClinVar:

ClinVar aggregate classification (germline): Pathogenic (1 of 4 stars; one submission).

Conditions:
Developmental and epileptic encephalopathy, 9 (DEE9). Also called: EPILEPSY, FEMALE-RESTRICTED, WITH MENTAL RETARDATION; PCDH19-Related X-Linked Female-Limited Epilepsy with Mental Retardation; Early infantile epileptic encephalopathy 9; JUBERG-HELLMAN SYNDROME. Identifiers: Orphanet 101039, Orphanet 2076, MedGen C1848137, MONDO:0010246, OMIM 300088. Disease mechanism: loss of function.

Submission:

Labcorp Genetics (formerly Invitae), Labcorp
Classification: Pathogenic for Developmental and epileptic encephalopathy, 9. Last evaluated: 2023-10-05. Review status: criteria provided, single submitter. Criteria: Invitae Variant Classification Sherloc (09022015). Collection method: clinical testing. Allele origin: germline.
Comment: This sequence change creates a premature translational stop signal (p.Tyr882*) in the PCDH19 gene. It is expected to result in an absent or disrupted protein product. Loss-of-function variants in PCDH19 are known to be pathogenic (PMID: 21053371). This variant is not present in population databases (gnomAD no frequency). This variant has not been reported in the literature in individuals affected with PCDH19-related conditions. For these reasons, this variant has been classified as Pathogenic.

Literature cited by the submitters: PubMed 21053371.

NM_001184880.2(PCDH19):c.2646C>A (p.Tyr882Ter)

Gene: PCDH19 (protocadherin 19; minus strand). Cytogenetic location: Xq22.1.
Variant type: single nucleotide variant.
Coding change: c.2646C>A on transcript NM_001184880.2 (MANE Select); coding-DNA position 2646, C replaced by A.
Protein change: p.Tyr882Ter; replaces tyrosine 882 with a stop codon.
Molecular consequence: nonsense.
Genome position (GRCh38, 1-based): chrX:100,350,675, G>T on the plus strand (C>A on the coding strand, the complement: PCDH19 is on the minus strand). VCF-style: chrX-100350675-G-T. GRCh37 (hg19) VCF-style: chrX-99605673-G-T.
Other names: c.2505C>A, p.Tyr835Ter (NM_001105243.2, NM_020766.3); short protein forms Y835*, Y882*.
Identifiers: ClinVar variation 2765981 (VCV002765981.3), dbSNP rs770935301, ClinGen allele CA414001082.